The following is an entry in ClinVar:

ClinVar aggregate classification (germline): Uncertain significance (1 of 4 stars; one submission).

Allele frequency attached by ClinVar (database versions not stated): gnomAD exomes 0.00002 and 0.00006; TOPMed 0.00004; ExAC 0.00005; 1000 Genomes Project 0.00020; 1000 Genomes Project 30x 0.00047.
gnomAD v4.1: 41 of 1,551,582 alleles (0.0026%); highest among the groups gnomAD compares: East Asian, 0.044%; no homozygotes.

Submission:

Labcorp Genetics (formerly Invitae), Labcorp
Classification: Uncertain significance. Last evaluated: 2022-07-17. Review status: criteria provided, single submitter. Criteria: Invitae Variant Classification Sherloc (09022015). Collection method: clinical testing. Allele origin: germline.
Comment: This sequence change replaces alanine, which is neutral and non-polar, with valine, which is neutral and non-polar, at codon 112 of the KPNA7 protein (p.Ala112Val). This variant is present in population databases (rs183241291, gnomAD 0.08%). This variant has not been reported in the literature in individuals affected with KPNA7-related conditions. ClinVar contains an entry for this variant (Variation ID: 1010967). Algorithms developed to predict the effect of missense changes on protein structure and function (SIFT, PolyPhen-2, Align-GVGD) all suggest that this variant is likely to be tolerated. Algorithms developed to predict the effect of sequence changes on RNA splicing suggest that this variant may create or strengthen a splice site. In summary, the available evidence is currently insufficient to determine the role of this variant in disease. Therefore, it has been classified as a Variant of Uncertain Significance.

NM_001145715.3(KPNA7):c.335C>T (p.Ala112Val)

Gene: KPNA7 (karyopherin subunit alpha 7; minus strand). Cytogenetic location: 7q22.1.
Variant type: single nucleotide variant.
Coding change: c.335C>T on transcript NM_001145715.3 (MANE Select); coding-DNA position 335, C replaced by T.
Protein change: p.Ala112Val; replaces alanine 112 with valine.
Molecular consequence: missense variant.
Genome position (GRCh38, 1-based): chr7:99,195,288, G>A on the plus strand (C>T on the coding strand, the complement: KPNA7 is on the minus strand). VCF-style: chr7-99195288-G-A. GRCh37 (hg19) VCF-style: chr7-98792911-G-A.
Other names: short protein forms A112V.
Identifiers: ClinVar variation 1010967 (VCV001010967.6), dbSNP rs183241291, ClinGen allele CA4363262.